The following is an entry in ClinVar:

ClinVar aggregate classification (germline): Uncertain significance (1 of 4 stars; one submission).

Conditions:
Dilated cardiomyopathy 1O (CMD1O). Also called: CARDIOMYOPATHY, DILATED, WITH VENTRICULAR TACHYCARDIA. Identifiers: Orphanet 154, MedGen C1837839, MONDO:0012062, OMIM 608569.

Allele frequency attached by ClinVar (database versions not stated): gnomAD exomes below 0.00001.
gnomAD v4.1: 1 of 1,613,772 alleles (0.000062%); no homozygotes.

Submission:

Labcorp Genetics (formerly Invitae), Labcorp
Classification: Uncertain significance for Dilated cardiomyopathy 1O. Last evaluated: 2022-10-09. Review status: criteria provided, single submitter. Criteria: Invitae Variant Classification Sherloc (09022015). Collection method: clinical testing. Allele origin: germline.
Comment: In summary, the available evidence is currently insufficient to determine the role of this variant in disease. Therefore, it has been classified as a Variant of Uncertain Significance. Advanced modeling of protein sequence and biophysical properties (such as structural, functional, and spatial information, amino acid conservation, physicochemical variation, residue mobility, and thermodynamic stability) performed at Invitae indicates that this missense variant is expected to disrupt ABCC9 protein function. This variant has not been reported in the literature in individuals affected with ABCC9-related conditions. This variant is not present in population databases (gnomAD no frequency). This sequence change replaces isoleucine, which is neutral and non-polar, with threonine, which is neutral and polar, at codon 548 of the ABCC9 protein (p.Ile548Thr).

NM_020297.4(ABCC9):c.1643T>C (p.Ile548Thr)

Gene: ABCC9 (ATP binding cassette subfamily C member 9; minus strand). Cytogenetic location: 12p12.1.
Variant type: single nucleotide variant.
Coding change: c.1643T>C on transcript NM_020297.4 (MANE Select); coding-DNA position 1643, T replaced by C.
Protein change: p.Ile548Thr; replaces isoleucine 548 with threonine.
Molecular consequence: missense variant.
Genome position (GRCh38, 1-based): chr12:21,895,291, A>G on the plus strand (T>C on the coding strand, the complement: ABCC9 is on the minus strand). VCF-style: chr12-21895291-A-G. GRCh37 (hg19) VCF-style: chr12-22048225-A-G.
Other names: c.1643T>C, p.Ile548Thr (NM_001377273.1, NM_005691.4); c.779T>C, p.Ile260Thr (NM_001377274.1); short protein forms I548T, I260T.
Identifiers: ClinVar variation 2006903 (VCV002006903.4), dbSNP rs2541521062, ClinGen allele CA384137731.